The following is an entry in ClinVar:

ClinVar aggregate classification (germline): Likely pathogenic (1 of 4 stars; one submission).

Conditions:
Premature ovarian failure 7 (POF7). Identifiers: MedGen C2751825, MONDO:0013065, OMIM 612964.

Submission:

Laboratory of Medical Genetics, National & Kapodistrian University of Athens
Classification: Likely pathogenic for Premature ovarian failure 7. Last evaluated: 2021-10-01. Review status: criteria provided, single submitter. Criteria: ACMG Guidelines, 2015. Collection method: clinical testing. Allele origin: paternal. Affected: yes.
Comment: PM1, PM2, PP2, PP3, PP4

Literature cited by the submitters: PubMed 34008892.

NM_004959.5(NR5A1):c.578T>A (p.Ile193Asn)

Gene: NR5A1 (nuclear receptor subfamily 5 group A member 1; minus strand). Cytogenetic location: 9q33.3.
Variant type: single nucleotide variant.
Coding change: c.578T>A on transcript NM_004959.5 (MANE Select); coding-DNA position 578, T replaced by A.
Protein change: p.Ile193Asn; replaces isoleucine 193 with asparagine.
Molecular consequence: missense variant.
Genome position (GRCh38, 1-based): chr9:124,500,382, A>T on the plus strand (T>A on the coding strand, the complement: NR5A1 is on the minus strand). VCF-style: chr9-124500382-A-T. GRCh37 (hg19) VCF-style: chr9-127262661-A-T.
Other names: short protein forms I193N.
Identifiers: ClinVar variation 1299627 (VCV001299627.1), dbSNP rs2131286907, ClinGen allele CA374886718.